The following is an entry in ClinVar:

NM_001349253.2(SCN11A):c.5341T>A (p.Phe1781Ile)

Gene: SCN11A (sodium voltage-gated channel alpha subunit 11; minus strand). Cytogenetic location: 3p22.2.
Variant type: single nucleotide variant.
Coding change: c.5341T>A on transcript NM_001349253.2 (MANE Select); coding-DNA position 5341, T replaced by A.
Protein change: p.Phe1781Ile; replaces phenylalanine 1781 with isoleucine.
Molecular consequence: missense variant.
Genome position (GRCh38, 1-based): chr3:38,846,729, A>T on the plus strand (T>A on the coding strand, the complement: SCN11A is on the minus strand). VCF-style: chr3-38846729-A-T. GRCh37 (hg19) VCF-style: chr3-38888220-A-T.
Other names: c.5341T>A, p.Phe1781Ile (NM_014139.3); short protein forms F1781I.
Identifiers: ClinVar variation 2953021 (VCV002953021.3), dbSNP rs761233126, ClinGen allele CA2321349.
Genomic context (GRCh38, chr3:38,846,729, plus strand): 5'-ATGAGGTAGGCGTGGAGGTGAGGGCTCAGTCACAGTGGACCTTGCCCTTGGCCACCCCAA[A>T]GCTAGACAAGTCTCCATTGCAAAGAGTCTGGAGTGGTGAATGAGGCCCGTTTTCCAAGTC-3'
Protein context (NP_001336182.1, residues 1771-1791): QTLCNGDLSS[Phe1781Ile]GVAKGKVHCD

ClinVar aggregate classification (germline): Uncertain significance (1 of 4 stars; one submission).

Conditions:
Familial episodic pain syndrome with predominantly lower limb involvement. Also called: Episodic pain syndrome, familial, 3. Identifiers: Orphanet 391384, Orphanet 391392, MedGen C3809899, MONDO:0014247, OMIM 615552.
Hereditary sensory and autonomic neuropathy type 7. Also called: HSAN VII; Neuropathy, hereditary sensory and autonomic, type VII. Identifiers: Orphanet 391397, MedGen C3809882, MONDO:0014244, OMIM 615548.

Allele frequency attached by ClinVar (database versions not stated): gnomAD exomes 0.00002; ExAC 0.00004.
gnomAD v4.1: 14 of 1,614,148 alleles (0.00087%); highest among the groups gnomAD compares: Non-Finnish European, 0.001%; no homozygotes.

Submission:

Labcorp Genetics (formerly Invitae), Labcorp
Classification: Uncertain significance for Familial episodic pain syndrome with predominantly lower limb involvement; Hereditary sensory and autonomic neuropathy type 7. Last evaluated: 2023-07-16. Review status: criteria provided, single submitter. Criteria: Invitae Variant Classification Sherloc (09022015). Collection method: clinical testing. Allele origin: germline.
Comment: In summary, the available evidence is currently insufficient to determine the role of this variant in disease. Therefore, it has been classified as a Variant of Uncertain Significance. An algorithm developed to predict the effect of missense changes on protein structure and function (PolyPhen-2) suggests that this variant is likely to be tolerated. This variant has not been reported in the literature in individuals affected with SCN11A-related conditions. This variant is present in population databases (rs761233126, gnomAD 0.004%). This sequence change replaces phenylalanine, which is neutral and non-polar, with isoleucine, which is neutral and non-polar, at codon 1781 of the SCN11A protein (p.Phe1781Ile).